The following is an entry in ClinVar:

NM_000138.5(FBN1):c.4210+11G>A

Gene: FBN1 (fibrillin 1; minus strand). Cytogenetic location: 15q21.1.
Variant type: single nucleotide variant.
Coding change: c.4210+11G>A on transcript NM_000138.5 (MANE Select); 11 bases into the intron after coding-DNA position 4210, G replaced by A.
Molecular consequence: intron variant.
Genome position (GRCh38, 1-based): chr15:48,474,244, C>T on the plus strand (G>A on the coding strand, the complement: FBN1 is on the minus strand). VCF-style: chr15-48474244-C-T. GRCh37 (hg19) VCF-style: chr15-48766441-C-T.
Identifiers: ClinVar variation 495606 (VCV000495606.9), dbSNP rs148057138, ClinGen allele CA052175.

ClinVar aggregate classification (germline): Likely benign. Review status: criteria provided, multiple submitters, no conflicts (2 of 4 stars). 3 submissions from 3 submitters: Likely benign (2). 1 of the submissions does not count toward it. Last evaluated 2026-01-14.

Conditions:
Marfan syndrome (MFS). Also called: MARFAN SYNDROME, TYPE I; FBN1-Related Marfan Syndrome; Marfan syndrome type 1; Marfan's syndrome; Marfan syndrome, classic. Identifiers: Orphanet 284963, Orphanet 558, MedGen C0024796, MONDO:0007947, OMIM 154700.
Familial thoracic aortic aneurysm and aortic dissection (TAAD). Also called: Thoracic aortic aneurysms and dissections. Identifiers: Orphanet 91387, MedGen C4707243, MONDO:0019625.

Allele frequency attached by ClinVar (database versions not stated): TOPMed 0.00006; 1000 Genomes Project 0.00020; ESP Exome Variant Server 0.00008; 1000 Genomes Project 30x 0.00016.
gnomAD v4.1: 52 of 1,614,002 alleles (0.0032%); highest among the groups gnomAD compares: Admixed American, 0.012%; no homozygotes.

Submissions (3):

Labcorp Genetics (formerly Invitae), Labcorp
Classification: Likely benign for Marfan syndrome; Familial thoracic aortic aneurysm and aortic dissection. Last evaluated: 2026-01-14. Review status: criteria provided, single submitter. Criteria: Invitae Variant Classification Sherloc (09022015). Collection method: clinical testing. Allele origin: germline.

Women's Health and Genetics/Laboratory Corporation of America, LabCorp
Classification: Likely benign. Last evaluated: 2023-05-18. Review status: criteria provided, single submitter. Criteria: LabCorp Variant Classification Summary - May 2015. Collection method: clinical testing. Allele origin: germline.
Comment: Variant summary: FBN1 c.4210+11G>A alters a non-conserved nucleotide located close to a canonical splice site and therefore could affect mRNA splicing, leading to a significantly altered protein sequence. 4/4 computational tools predict no significant impact on normal splicing. However, these predictions have yet to be confirmed by functional studies. The variant allele was found at a frequency of 4.4e-05 (i.e. 11 alleles) in 251382 control chromosomes (gnomAD). In addition, the variant is reported in and 7/ 114540 alleles (frequency 0.00006) in the gnomAD v3.1 (non-v2) dataset. Although the reported allele frequencies are not higher than the estimated maximum expected for a pathogenic variant in FBN1 causing Marfan Syndrome (0.00011), however the relatively high number of carriers suggests that the variant might be benign. To our knowledge, no occurrence of c.4210+11G>A in individuals affected with Marfan Syndrome and no experimental evidence demonstrating its impact on protein function have been reported. Two other clinical diagnostic laboratories have submitted clinical-significance assessments for this variant to ClinVar after 2014 without evidence for independent evaluation, and classified the variant as likely benign or as uncertain significance. Based on the evidence outlined above, the variant was classified as likely benign.

Center for Medical Genetics Ghent, University of Ghent
Classification: Uncertain significance for Marfan syndrome. Last evaluated: 2017-11-07. Review status: no assertion criteria provided. Collection method: clinical testing. Allele origin: germline. Affected: yes. Not counted in ClinVar's aggregate classification.